The following is an entry in ClinVar:

NM_006947.4(SRP72):c.1921A>G (p.Ile641Val)

Gene: SRP72 (signal recognition particle 72; plus strand). Cytogenetic location: 4q12.
Variant type: single nucleotide variant.
Coding change: c.1921A>G on transcript NM_006947.4 (MANE Select); coding-DNA position 1921, A replaced by G.
Protein change: p.Ile641Val; replaces isoleucine 641 with valine.
Molecular consequence: missense variant. On other transcripts: non-coding transcript variant (1).
Genome position (GRCh38, 1-based): chr4:56,501,766, A>G. VCF-style: chr4-56501766-A-G. GRCh37 (hg19) VCF-style: chr4-57367932-A-G.
Other names: c.1738A>G, p.Ile580Val (NM_001267722.2); short protein forms I580V, I641V.
Identifiers: ClinVar variation 1804619 (VCV001804619.6), dbSNP rs760191431, ClinGen allele CA2931513.

ClinVar aggregate classification (germline): Uncertain significance. Review status: criteria provided, multiple submitters, no conflicts (2 of 4 stars). 3 submissions from 3 submitters: Uncertain significance (3). Last evaluated 2024-12-06.

gnomAD v4.1: 6 of 1,614,030 alleles (0.00037%); highest among the groups gnomAD compares: East Asian, 0.0022%; no homozygotes.

Submissions (3):

Ambry Genetics
Classification: Uncertain significance. Last evaluated: 2024-12-06. Review status: criteria provided, single submitter. Criteria: Ambry Variant Classification Scheme 2023. Collection method: clinical testing. Allele origin: germline.
Comment: The p.I641V variant (also known as c.1921A>G), located in coding exon 19 of the SRP72 gene, results from an A to G substitution at nucleotide position 1921. The isoleucine at codon 641 is replaced by valine, an amino acid with highly similar properties. This amino acid position is conserved. In addition, this alteration is predicted to be tolerated by in silico analysis. Based on the available evidence, the clinical significance of this variant remains unclear.

GeneDx
Classification: Uncertain significance. Last evaluated: 2024-09-23. Review status: criteria provided, single submitter. Criteria: GeneDx Variant Classification Process June 2021. Collection method: clinical testing. Allele origin: germline.
Comment: Not observed at significant frequency in large population cohorts (gnomAD); In silico analysis indicates that this missense variant does not alter protein structure/function; Has not been previously published as pathogenic or benign to our knowledge

Labcorp Genetics (formerly Invitae), Labcorp
Classification: Uncertain significance. Last evaluated: 2024-08-14. Review status: criteria provided, single submitter. Criteria: Invitae Variant Classification Sherloc (09022015). Collection method: clinical testing. Allele origin: germline.
Comment: This sequence change replaces isoleucine, which is neutral and non-polar, with valine, which is neutral and non-polar, at codon 641 of the SRP72 protein (p.Ile641Val). This variant is present in population databases (rs760191431, gnomAD 0.0009%). This variant has not been reported in the literature in individuals affected with SRP72-related conditions. ClinVar contains an entry for this variant (Variation ID: 1804619). An algorithm developed to predict the effect of missense changes on protein structure and function (PolyPhen-2) suggests that this variant is likely to be tolerated. In summary, the available evidence is currently insufficient to determine the role of this variant in disease. Therefore, it has been classified as a Variant of Uncertain Significance.